The following is an entry in ClinVar:

ClinVar aggregate classification (germline): Uncertain significance (1 of 4 stars; one submission).

Submission:

GeneDx
Classification: Uncertain significance. Last evaluated: 2024-11-12. Review status: criteria provided, single submitter. Criteria: GeneDx Variant Classification Process June 2021. Collection method: clinical testing. Allele origin: germline.
Comment: Not observed at significant frequency in large population cohorts (gnomAD); Frameshift variant predicted to result in protein truncation or nonsense mediated decay in a gene or region of a gene for which loss of function is not a well-established mechanism of disease; Has not been previously published as pathogenic or benign to our knowledge

NM_017852.5(NLRP2):c.1769del (p.Ile590fs)

Gene: NLRP2 (NLR family pyrin domain containing 2; plus strand). Cytogenetic location: 19q13.42.
Variant type: Deletion.
Coding change: c.1769del on transcript NM_017852.5 (MANE Select); coding-DNA position 1769, one base deleted (T; older notation c.1769delT).
Protein change: p.Ile590fs; shifts the reading frame from isoleucine 590.
Molecular consequence: frameshift variant. On other transcripts: non-coding transcript variant (1).
Genome position (GRCh38, 1-based): chr19:54,983,467, T deleted. VCF-style (leftmost placement, unchanged base first): chr19-54983466-AT-A. GRCh37 (hg19) VCF-style: chr19-55494834-AT-A.
Other names: c.1769del, p.Ile590fs (NM_001174081.3); c.1703del, p.Ile568fs (NM_001174082.3); c.1700del, p.Ile567fs (NM_001174083.2); c.1760del, p.Ile587fs (NM_001348003.2); short protein forms I567fs, I568fs, I587fs, I590fs.
Identifiers: ClinVar variation 3252132 (VCV003252132.2), dbSNP rs2516614886.